The following is an entry in ClinVar:

NM_000260.4(MYO7A):c.2367+225T>C

Gene: MYO7A (myosin VIIA; plus strand). Cytogenetic location: 11q13.5.
Variant type: single nucleotide variant.
Coding change: c.2367+225T>C on transcript NM_000260.4 (MANE Select); 225 bases into the intron after coding-DNA position 2367, T replaced by C.
Molecular consequence: intron variant.
Genome position (GRCh38, 1-based): chr11:77,179,354, T>C. VCF-style: chr11-77179354-T-C. GRCh37 (hg19) VCF-style: chr11-76890400-T-C.
Other names: c.2334+225T>C (NM_001369365.1); c.2367+225T>C (NM_001127180.2).
Identifiers: ClinVar variation 678825 (VCV000678825.1), dbSNP rs12577334, ClinGen allele CA13546915.

ClinVar aggregate classification (germline): Benign (1 of 4 stars; one submission).

Allele frequency attached by ClinVar (database versions not stated): 1000 Genomes Project 0.49720; 1000 Genomes Project 30x 0.50000; gnomAD 0.53949 and 0.54598; TOPMed 0.53968.
gnomAD v4.1: 82,002 of 152,110 alleles (54%); highest among the groups gnomAD compares: Admixed American, 61%; 22,347 homozygotes.

Submission:

GeneDx
Classification: Benign. Last evaluated: 2018-06-14. Review status: criteria provided, single submitter. Criteria: GeneDx Variant Classification (06012015). Collection method: clinical testing. Allele origin: germline. Affected: yes.
Comment: This variant is considered likely benign or benign based on one or more of the following criteria: it is a conservative change, it occurs at a poorly conserved position in the protein, it is predicted to be benign by multiple in silico algorithms, and/or has population frequency not consistent with disease.